The following is an entry in ClinVar:

ClinVar aggregate classification (germline): Uncertain significance (1 of 4 stars; one submission).

Conditions:
Fanconi anemia (FA). Also called: Fanconi's anemia. Identifiers: Orphanet 84, MedGen C0015625, MeSH D005199, MONDO:0019391.

Submission:

Labcorp Genetics (formerly Invitae), Labcorp
Classification: Uncertain significance for Fanconi anemia. Last evaluated: 2022-07-12. Review status: criteria provided, single submitter. Criteria: Invitae Variant Classification Sherloc (09022015). Collection method: clinical testing. Allele origin: germline.
Comment: ClinVar contains an entry for this variant (Variation ID: 1466778). This sequence change replaces glycine, which is neutral and non-polar, with serine, which is neutral and polar, at codon 480 of the SLX4 protein (p.Gly480Ser). This variant is not present in population databases (gnomAD no frequency). This variant has not been reported in the literature in individuals affected with SLX4-related conditions. Algorithms developed to predict the effect of missense changes on protein structure and function output the following: SIFT: "Tolerated"; PolyPhen-2: "Benign"; Align-GVGD: "Class C0". The serine amino acid residue is found in multiple mammalian species, which suggests that this missense change does not adversely affect protein function. In summary, the available evidence is currently insufficient to determine the role of this variant in disease. Therefore, it has been classified as a Variant of Uncertain Significance.

NM_032444.4(SLX4):c.1438G>A (p.Gly480Ser)

Gene: SLX4 (SLX4 structure-specific endonuclease subunit; minus strand). Cytogenetic location: 16p13.3.
Variant type: single nucleotide variant.
Coding change: c.1438G>A on transcript NM_032444.4 (MANE Select); coding-DNA position 1438, G replaced by A.
Protein change: p.Gly480Ser; replaces glycine 480 with serine.
Molecular consequence: missense variant.
Genome position (GRCh38, 1-based): chr16:3,597,624, C>T on the plus strand (G>A on the coding strand, the complement: SLX4 is on the minus strand). VCF-style: chr16-3597624-C-T. GRCh37 (hg19) VCF-style: chr16-3647625-C-T.
Other names: short protein forms G480S.
Identifiers: ClinVar variation 1466778 (VCV001466778.8), dbSNP rs2151131486, ClinGen allele CA394529069.
Genomic context (GRCh38, chr16:3,597,624, plus strand): 5'-TGCTAGACAATTCCACTTCCTCAGAGAGGAGCAGGGCCACACGGTCCTCTATCTGTCGGC[C>T]TGTGGTTTCAGAGTCCTGGACTAACAACAATGGGGGGGATACCGGGGGTTTCTTCTTGCG-3'
Protein context (NP_115820.2, residues 470-490): LLLVQDSETT[Gly480Ser]RQIEDRVALL